The following is an entry in ClinVar:

ClinVar aggregate classification (germline): Uncertain significance (1 of 4 stars; one submission).

Conditions:
Autosomal dominant nocturnal frontal lobe epilepsy 5. Also called: Epilepsy, nocturnal frontal lobe, 5; KCNT1-Related Epilepsy; CILIARY DYSKINESIA, PRIMARY, 28, WITHOUT SITUS INVERSUS; CILIARY DYSKINESIA, PRIMARY, 28, WITH SITUS INVERSUS. Identifiers: Orphanet 98784, MedGen C3554306, MONDO:0014002, OMIM 615005.
Developmental and epileptic encephalopathy, 14 (DEE14). Also called: Early infantile epileptic encephalopathy 14. Identifiers: Orphanet 293181, MedGen C3554195, MONDO:0013989, OMIM 614959.

Allele frequency attached by ClinVar (database versions not stated): gnomAD exomes 0.00001.

Submission:

Labcorp Genetics (formerly Invitae), Labcorp
Classification: Uncertain significance for Autosomal dominant nocturnal frontal lobe epilepsy 5; Developmental and epileptic encephalopathy, 14. Last evaluated: 2023-12-11. Review status: criteria provided, single submitter. Criteria: Invitae Variant Classification Sherloc (09022015). Collection method: clinical testing. Allele origin: germline.
Comment: This sequence change replaces arginine, which is basic and polar, with glutamine, which is neutral and polar, at codon 294 of the KCNT1 protein (p.Arg294Gln). This variant is not present in population databases (gnomAD no frequency). This variant has not been reported in the literature in individuals affected with KCNT1-related conditions. ClinVar contains an entry for this variant (Variation ID: 2139505). Advanced modeling of protein sequence and biophysical properties (such as structural, functional, and spatial information, amino acid conservation, physicochemical variation, residue mobility, and thermodynamic stability) performed at Invitae indicates that this missense variant is expected to disrupt KCNT1 protein function with a positive predictive value of 80%. In summary, the available evidence is currently insufficient to determine the role of this variant in disease. Therefore, it has been classified as a Variant of Uncertain Significance.

NM_020822.3(KCNT1):c.881G>A (p.Arg294Gln)

Gene: KCNT1 (potassium sodium-activated channel subfamily T member 1; plus strand). Cytogenetic location: 9q34.3.
Variant type: single nucleotide variant.
Coding change: c.881G>A on transcript NM_020822.3 (MANE Select); coding-DNA position 881, G replaced by A.
Protein change: p.Arg294Gln; replaces arginine 294 with glutamine.
Molecular consequence: missense variant.
Genome position (GRCh38, 1-based): chr9:135,759,705, G>A. VCF-style: chr9-135759705-G-A. GRCh37 (hg19) VCF-style: chr9-138651551-G-A.
Other names: c.746G>A, p.Arg249Gln (NM_001272003.2); short protein forms R249Q, R294Q.
Identifiers: ClinVar variation 2139505 (VCV002139505.4), dbSNP rs2490860249, ClinGen allele CA375498408.